The following is an entry in ClinVar:

ClinVar aggregate classification (germline): Likely benign (1 of 4 stars; one submission).

Allele frequency attached by ClinVar (database versions not stated): gnomAD exomes 0.00024; ExAC 0.00056; 1000 Genomes Project 0.00140; ESP Exome Variant Server 0.00154; gnomAD 0.00157; TOPMed 0.00180; 1000 Genomes Project 30x 0.00187.
gnomAD v4.1: 623 of 1,612,464 alleles (0.039%); highest among the groups gnomAD compares: African/African-American, 0.58%; 1 homozygote.

Submission:

CeGaT Center for Human Genetics Tuebingen
Classification: Likely benign. Last evaluated: 2022-05-01. Review status: criteria provided, single submitter. Criteria: CeGaT Center For Human Genetics Tuebingen Variant Classification Criteria Version 2. Collection method: clinical testing. Allele origin: germline. Affected: yes. Observed: 1 variant allele.
Comment: IQGAP3: BP4, BP7

NM_178229.5(IQGAP3):c.3906T>C (p.Pro1302=)

Gene: IQGAP3 (IQ motif containing GTPase activating protein 3; minus strand). Cytogenetic location: 1q22.
Variant type: single nucleotide variant.
Coding change: c.3906T>C on transcript NM_178229.5 (MANE Select); coding-DNA position 3906, T replaced by C.
Protein change: p.Pro1302=; no amino-acid change (proline 1302 retained).
Molecular consequence: synonymous variant.
Genome position (GRCh38, 1-based): chr1:156,533,843, A>G on the plus strand (T>C on the coding strand, the complement: IQGAP3 is on the minus strand). VCF-style: chr1-156533843-A-G. GRCh37 (hg19) VCF-style: chr1-156503635-A-G.
Identifiers: ClinVar variation 2639453 (VCV002639453.24), dbSNP rs141890307, ClinGen allele CA1160876.